The following is an entry in ClinVar:

ClinVar aggregate classification (germline): Uncertain significance. Review status: criteria provided, multiple submitters, no conflicts (2 of 4 stars). 3 submissions from 3 submitters: Uncertain significance (3). Last evaluated 2024-09-02.

Conditions:
Meckel-Gruber syndrome. Also called: Dysencephalia splachnocystica; DYSENCEPHALIA SPLANCHNOCYSTICA; GRUBER SYNDROME. Identifiers: Orphanet 564, MedGen C0265215, MONDO:0018921.
Joubert syndrome. Also called: JOUBERT-BOLTSHAUSER SYNDROME; Familial aplasia of the vermis. Identifiers: Orphanet 475, MedGen C5979921, MONDO:0018772.
Joubert syndrome 9 (JBTS9). Identifiers: Orphanet 2318, MedGen C2676788, MONDO:0012849, OMIM 612285.

Allele frequency attached by ClinVar (database versions not stated): gnomAD exomes 0.00002; ExAC 0.00003; gnomAD 0.00004; TOPMed 0.00005.
gnomAD v4.1: 31 of 1,608,226 alleles (0.0019%); highest among the groups gnomAD compares: Admixed American, 0.0085%; no homozygotes.

Submissions (3):

Blueprint Genetics
Classification: Uncertain significance. Last evaluated: 2024-09-02. Review status: criteria provided, single submitter. Criteria: ACMG Guidelines, 2015. Collection method: clinical testing. Allele origin: germline.

Labcorp Genetics (formerly Invitae), Labcorp
Classification: Uncertain significance for Joubert syndrome; Meckel-Gruber syndrome. Last evaluated: 2022-07-06. Review status: criteria provided, single submitter. Criteria: Invitae Variant Classification Sherloc (09022015). Collection method: clinical testing. Allele origin: germline.
Comment: This sequence change replaces arginine, which is basic and polar, with glutamine, which is neutral and polar, at codon 1022 of the CC2D2A protein (p.Arg1022Gln). This variant is present in population databases (rs770896540, gnomAD 0.003%). This variant has not been reported in the literature in individuals affected with CC2D2A-related conditions. ClinVar contains an entry for this variant (Variation ID: 842440). Advanced modeling of protein sequence and biophysical properties (such as structural, functional, and spatial information, amino acid conservation, physicochemical variation, residue mobility, and thermodynamic stability) performed at Invitae indicates that this missense variant is expected to disrupt CC2D2A protein function. In summary, the available evidence is currently insufficient to determine the role of this variant in disease. Therefore, it has been classified as a Variant of Uncertain Significance.

Centre for Mendelian Genomics, University Medical Centre Ljubljana
Classification: Uncertain significance for Joubert syndrome 9. Last evaluated: 2019-05-07. Review status: criteria provided, single submitter. Criteria: ACMG Guidelines, 2015. Collection method: clinical testing. Allele origin: unknown. Affected: yes.
Comment: This variant was classified as: Uncertain significance. The available evidence on this variant's pathogenicity is insufficient or conflicting. The following ACMG criteria were applied in classifying this variant: PM2,PP3.

NM_001378615.1(CC2D2A):c.3065G>A (p.Arg1022Gln)

Genes: CC2D2A (coiled-coil and C2 domain containing 2A; plus strand), FBXL5 (F-box and leucine rich repeat protein 5; minus strand). Cytogenetic location: 4p15.32.
Variant type: single nucleotide variant.
Coding change: c.3065G>A on transcript NM_001378615.1 (MANE Select); coding-DNA position 3065, G replaced by A.
Protein change: p.Arg1022Gln; replaces arginine 1022 with glutamine.
Molecular consequence: missense variant.
Genome position (GRCh38, 1-based): chr4:15,563,405, G>A. VCF-style: chr4-15563405-G-A. GRCh37 (hg19) VCF-style: chr4-15565028-G-A.
Other names: c.3065G>A, p.Arg1022Gln (NM_001080522.2); c.2918G>A, p.Arg973Gln (NM_001378617.1); short protein forms R1022Q, R973Q.
Identifiers: ClinVar variation 842440 (VCV000842440.11), dbSNP rs770896540, ClinGen allele CA2864070.